The following is an entry in ClinVar:

ClinVar aggregate classification (germline): Uncertain significance. Review status: criteria provided, multiple submitters, no conflicts (2 of 4 stars). 2 submissions from 2 submitters: Uncertain significance (2). Last evaluated 2025-03-28.

Allele frequency attached by ClinVar (database versions not stated): ExAC 0.00011; ESP Exome Variant Server 0.00015; gnomAD 0.00016; TOPMed 0.00017.
gnomAD v4.1: 605 of 1,613,390 alleles (0.037%); highest among the groups gnomAD compares: Non-Finnish European, 0.05%; 2 homozygotes.

Submissions (2):

Labcorp Genetics (formerly Invitae), Labcorp
Classification: Uncertain significance. Last evaluated: 2025-03-28. Review status: criteria provided, single submitter. Criteria: Invitae Variant Classification Sherloc (09022015). Collection method: clinical testing. Allele origin: germline.
Comment: This sequence change replaces threonine, which is neutral and polar, with serine, which is neutral and polar, at codon 66 of the PCK2 protein (p.Thr66Ser). This variant is present in population databases (rs200792430, gnomAD 0.02%). This variant has not been reported in the literature in individuals affected with PCK2-related conditions. ClinVar contains an entry for this variant (Variation ID: 2052577). An algorithm developed to predict the effect of missense changes on protein structure and function outputs the following: PolyPhen-2: "Benign". The serine amino acid residue is found in multiple mammalian species, which suggests that this missense change does not adversely affect protein function. In summary, the available evidence is currently insufficient to determine the role of this variant in disease. Therefore, it has been classified as a Variant of Uncertain Significance.

Ambry Genetics
Classification: Uncertain significance. Last evaluated: 2024-10-19. Review status: criteria provided, single submitter. Criteria: Ambry Variant Classification Scheme 2023. Collection method: clinical testing. Allele origin: germline.

NM_004563.4(PCK2):c.197C>G (p.Thr66Ser)

Genes: NRL (neural retina leucine zipper; minus strand), PCK2 (phosphoenolpyruvate carboxykinase 2, mitochondrial; plus strand). Cytogenetic location: 14q11.2.
Variant type: single nucleotide variant.
Coding change: c.197C>G on transcript NM_004563.4 (MANE Select); coding-DNA position 197, C replaced by G.
Protein change: p.Thr66Ser; replaces threonine 66 with serine.
Molecular consequence: missense variant. On other transcripts: 5 prime UTR variant (1), intron variant (4).
Genome position (GRCh38, 1-based): chr14:24,097,059, C>G. VCF-style: chr14-24097059-C-G. GRCh37 (hg19) VCF-style: chr14-24566268-C-G.
Other names: c.197C>G, p.Thr66Ser (NM_001018073.3); c.-206C>G (NM_001308054.2); c.-27-14184G>C (NM_001354768.3, NM_001354770.2); c.-253-12314G>C (NM_006177.5); c.-127-1144C>G (NM_001291556.2); short protein forms T66S.
Identifiers: ClinVar variation 2052577 (VCV002052577.6), dbSNP rs200792430, ClinGen allele CA7123035.